The following is an entry in ClinVar:

ClinVar aggregate classification (germline): Uncertain significance (1 of 4 stars; one submission).

Conditions:
Inborn genetic diseases. Identifiers: MedGen C0950123, MeSH D030342.

Submission:

Ambry Genetics
Classification: Uncertain significance for Inborn genetic diseases. Last evaluated: 2025-05-17. Review status: criteria provided, single submitter. Criteria: Ambry Variant Classification Scheme 2023. Collection method: clinical testing. Allele origin: germline.
Comment: The p.K442N variant (also known as c.1326G>C), located in coding exon 11 of the CEP57 gene, results from a G to C substitution at nucleotide position 1326. The lysine at codon 442 is replaced by asparagine, an amino acid with similar properties. This amino acid position is conserved. In addition, this alteration is predicted to be tolerated by in silico analysis. Based on the available evidence, the clinical significance of this variant remains unclear.

NM_014679.5(CEP57):c.1326G>C (p.Lys442Asn)

Gene: CEP57 (centrosomal protein 57; plus strand). Cytogenetic location: 11q21.
Variant type: single nucleotide variant.
Coding change: c.1326G>C on transcript NM_014679.5 (MANE Select); coding-DNA position 1326, G replaced by C.
Protein change: p.Lys442Asn; replaces lysine 442 with asparagine.
Molecular consequence: missense variant.
Genome position (GRCh38, 1-based): chr11:95,831,079, G>C. VCF-style: chr11-95831079-G-C. GRCh37 (hg19) VCF-style: chr11-95564243-G-C.
Other names: c.1245G>C, p.Lys415Asn (NM_001363604.2); c.1299G>C, p.Lys433Asn (NM_001243776.2); c.1248G>C, p.Lys416Asn (NM_001243777.2); short protein forms K415N, K433N, K442N, K416N.
Identifiers: ClinVar variation 3142967 (VCV003142967.2), dbSNP rs373753829, ClinGen allele CA226588303.